The following is an entry in ClinVar:

NM_000429.3(MAT1A):c.789C>T (p.Gly263=)

Gene: MAT1A (methionine adenosyltransferase 1A; minus strand). Cytogenetic location: 10q22.3.
Variant type: single nucleotide variant.
Coding change: c.789C>T on transcript NM_000429.3 (MANE Select); coding-DNA position 789, C replaced by T.
Protein change: p.Gly263=; no amino-acid change (glycine 263 retained).
Molecular consequence: synonymous variant.
Genome position (GRCh38, 1-based): chr10:80,275,179, G>A on the plus strand (C>T on the coding strand, the complement: MAT1A is on the minus strand). VCF-style: chr10-80275179-G-A. GRCh37 (hg19) VCF-style: chr10-82034935-G-A.
Identifiers: ClinVar variation 284366 (VCV000284366.39), dbSNP rs61734475, ClinGen allele CA5576698.
Genomic context (GRCh38, chr10:80,275,179, plus strand): 5'-AGAGAAGGCCCCACCACCATGAGCCCCCCAGCCGCCATAGGTGTCCACAATAATCTTACG[G>A]CCAGTGACACCCGCATCCCCCTGCAGAGGGAGAGAAATCAAGATAAGAAGCAGAGCCAGC-3'
Protein context (NP_000420.1, residues 253-273): GGPQGDAGVT[Gly263=]RKIIVDTYGG

ClinVar aggregate classification (germline): Benign/Likely benign. Review status: criteria provided, multiple submitters, no conflicts (2 of 4 stars). 6 submissions from 6 submitters: Benign (2); Likely benign (4). Last evaluated 2026-01-20.

Conditions:
Hepatic methionine adenosyltransferase deficiency. Also called: Isolated Persistent Hypermethioninemia; Methionine adenosyltransferase deficiency; Deficiency of methionine adenosyltransferase; MAT I/III DEFICIENCY. Identifiers: Orphanet 168598, MedGen C0268621, MeSH C564683, MONDO:0009607, OMIM 250850.

Allele frequency attached by ClinVar (database versions not stated): 1000 Genomes Project 0.00100; 1000 Genomes Project 30x 0.00156; TOPMed 0.00179; gnomAD exomes 0.00182 and 0.00269; gnomAD 0.00193 and 0.00195; ExAC 0.00209; ESP Exome Variant Server 0.00246.

Submissions (6):

Labcorp Genetics (formerly Invitae), Labcorp
Classification: Benign for Hepatic methionine adenosyltransferase deficiency. Last evaluated: 2026-01-20. Review status: criteria provided, single submitter. Criteria: Invitae Variant Classification Sherloc (09022015). Collection method: clinical testing. Allele origin: germline.

Blueprint Genetics
Classification: Likely benign. Last evaluated: 2024-11-21. Review status: criteria provided, single submitter. Criteria: ACMG Guidelines, 2015. Collection method: clinical testing. Allele origin: germline.

CeGaT Center for Human Genetics Tuebingen
Classification: Likely benign. Last evaluated: 2024-07-01. Review status: criteria provided, single submitter. Criteria: CeGaT Center For Human Genetics Tuebingen Variant Classification Criteria Version 2. Collection method: clinical testing. Allele origin: germline. Affected: yes. Observed: 2 variant alleles.
Comment: MAT1A: BP4, BP7

Illumina Laboratory Services, Illumina
Classification: Likely benign for Hepatic methionine adenosyltransferase deficiency. Last evaluated: 2018-01-13. Review status: criteria provided, single submitter. Criteria: ICSL Variant Classification Criteria 13 December 2019. Collection method: clinical testing. Allele origin: germline.
Comment: This variant was observed in the ICSL laboratory as part of a predisposition screen in an ostensibly healthy population. It had not been previously curated by ICSL or reported in the Human Gene Mutation Database (HGMD: prior to June 1st, 2018), and was therefore a candidate for classification through an automated scoring system. Utilizing variant allele frequency, disease prevalence and penetrance estimates, and inheritance mode, an automated score was calculated to assess if this variant is too frequent to cause the disease. Based on the score and internal cut-off values, a variant classified as likely benign is not then subjected to further curation. The score for this variant resulted in a classification of likely benign for this disease.

Eurofins Ntd Llc (ga)
Classification: Benign. Last evaluated: 2015-11-03. Review status: criteria provided, single submitter. Criteria: EGL Classification Definitions 2015. Collection method: clinical testing. Allele origin: germline. Observed: 1 variant allele, 1 heterozygote.

Breakthrough Genomics
Classification: Likely benign. Review status: criteria provided, single submitter. Criteria: ACMG Guidelines, 2015. Collection method: not provided. Allele origin: germline. Inheritance: Autosomal dominant inheritance. Affected: yes.